The following is an entry in ClinVar:

NM_002336.3(LRP6):c.2972A>G (p.Lys991Arg)

Gene: LRP6 (LDL receptor related protein 6; minus strand). Cytogenetic location: 12p13.2.
Variant type: single nucleotide variant.
Coding change: c.2972A>G on transcript NM_002336.3 (MANE Select); coding-DNA position 2972, A replaced by G.
Protein change: p.Lys991Arg; replaces lysine 991 with arginine.
Molecular consequence: missense variant.
Genome position (GRCh38, 1-based): chr12:12,150,858, T>C on the plus strand (A>G on the coding strand, the complement: LRP6 is on the minus strand). VCF-style: chr12-12150858-T-C. GRCh37 (hg19) VCF-style: chr12-12303792-T-C.
Other names: c.2519A>G, p.Lys840Arg (NM_001414253.1, NM_001414254.1, NM_001414252.1); c.2465A>G, p.Lys822Arg (NM_001414255.1); c.2972A>G, p.Lys991Arg (NM_001414244.1, NM_001414245.1, NM_001414246.1 and 4 more transcripts); c.2774A>G, p.Lys925Arg (NM_001414247.1); short protein forms K991R, K840R, K925R, K822R.
Identifiers: ClinVar variation 2166568 (VCV002166568.4), dbSNP rs202168933, ClinGen allele CA232989104.

ClinVar aggregate classification (germline): Uncertain significance (1 of 4 stars; one submission).

Allele frequency attached by ClinVar (database versions not stated): gnomAD exomes 0.00001; ExAC 0.00003; TOPMed 0.00003; gnomAD 0.00005; 1000 Genomes Project 30x 0.00031; 1000 Genomes Project 0.00040.
gnomAD v4.1: 28 of 1,613,918 alleles (0.0017%); highest among the groups gnomAD compares: East Asian, 0.042%; no homozygotes.

Submission:

Labcorp Genetics (formerly Invitae), Labcorp
Classification: Uncertain significance. Last evaluated: 2025-03-14. Review status: criteria provided, single submitter. Criteria: Invitae Variant Classification Sherloc (09022015). Collection method: clinical testing. Allele origin: germline.
Comment: This sequence change replaces lysine, which is basic and polar, with arginine, which is basic and polar, at codon 991 of the LRP6 protein (p.Lys991Arg). This variant is present in population databases (rs202168933, gnomAD 0.06%), and has an allele count higher than expected for a pathogenic variant. This variant has not been reported in the literature in individuals affected with LRP6-related conditions. ClinVar contains an entry for this variant (Variation ID: 2166568). An algorithm developed to predict the effect of missense changes on protein structure and function (PolyPhen-2) suggests that this variant is likely to be tolerated. In summary, the available evidence is currently insufficient to determine the role of this variant in disease. Therefore, it has been classified as a Variant of Uncertain Significance.